The following is an entry in ClinVar:

ClinVar aggregate classification (germline): Likely benign. Review status: criteria provided, single submitter (1 of 4 stars). 2 submissions from 1 submitter: Likely benign (2). Last evaluated 2018-01-12.

Conditions:
Nephronophthisis 12 (NPHP12). Identifiers: Orphanet 655, MedGen C3151186, MONDO:0013442, OMIM 613820.
Asphyxiating thoracic dystrophy 4 (SRTD4). Also called: SHORT-RIB THORACIC DYSPLASIA 4 WITH OR WITHOUT POLYDACTYLY; SHORT-RIB THORACIC DYSPLASIA 4. Identifiers: Orphanet 474, MedGen C3151185, MONDO:0013441, OMIM 613819.

Allele frequency attached by ClinVar (database versions not stated): gnomAD 0.00200 and 0.00213; TOPMed 0.00202; 1000 Genomes Project 0.00300; 1000 Genomes Project 30x 0.00312.

Submissions (2):

Illumina Laboratory Services, Illumina
Classification: Likely benign for Asphyxiating thoracic dystrophy 4. Last evaluated: 2018-01-12. Review status: criteria provided, single submitter. Criteria: ICSL Variant Classification Criteria 13 December 2019. Collection method: clinical testing. Allele origin: germline.
Comment: This variant was observed in the ICSL laboratory as part of a predisposition screen in an ostensibly healthy population. It had not been previously curated by ICSL or reported in the Human Gene Mutation Database (HGMD: prior to June 1st, 2018), and was therefore a candidate for classification through an automated scoring system. Utilizing variant allele frequency, disease prevalence and penetrance estimates, and inheritance mode, an automated score was calculated to assess if this variant is too frequent to cause the disease. Based on the score and internal cut-off values, a variant classified as likely benign is not then subjected to further curation. The score for this variant resulted in a classification of likely benign for this disease.

Illumina Laboratory Services, Illumina
Classification: Likely benign for Nephronophthisis 12. Last evaluated: 2018-01-12. Review status: criteria provided, single submitter. Criteria: ICSL Variant Classification Criteria 13 December 2019. Collection method: clinical testing. Allele origin: germline.
Comment: the same text as in the submission from Illumina Laboratory Services, Illumina above.

NM_024753.5(TTC21B):c.*1087A>T

Gene: TTC21B (tetratricopeptide repeat domain 21B; minus strand). Cytogenetic location: 2q24.3.
Variant type: single nucleotide variant.
Coding change: c.*1087A>T on transcript NM_024753.5 (MANE Select); 1087 bases downstream of the stop codon, A replaced by T.
Molecular consequence: 3 prime UTR variant.
Genome position (GRCh38, 1-based): chr2:165,873,668, T>A on the plus strand (A>T on the coding strand, the complement: TTC21B is on the minus strand). VCF-style: chr2-165873668-T-A. GRCh37 (hg19) VCF-style: chr2-166730178-T-A.
Identifiers: ClinVar variation 331799 (VCV000331799.5), dbSNP rs150328867, ClinGen allele CA10612715.